The following is an entry in ClinVar:

NM_001037333.3(CYFIP2):c.2208C>G (p.Ile736Met)

Gene: CYFIP2 (cytoplasmic FMR1 interacting protein 2; plus strand). Cytogenetic location: 5q33.3.
Variant type: single nucleotide variant.
Coding change: c.2208C>G on transcript NM_001037333.3 (MANE Select); coding-DNA position 2208, C replaced by G.
Protein change: p.Ile736Met; replaces isoleucine 736 with methionine.
Molecular consequence: missense variant.
Genome position (GRCh38, 1-based): chr5:157,330,793, C>G. VCF-style: chr5-157330793-C-G. GRCh37 (hg19) VCF-style: chr5-156757801-C-G.
Other names: c.2130C>G, p.Ile710Met (NM_001291721.2); c.2283C>G, p.Ile761Met (NM_001291722.2); c.2208C>G, p.Ile736Met (NM_014376.4); short protein forms I736M, I710M, I761M.
Identifiers: ClinVar variation 2994007 (VCV002994007.3), dbSNP rs752048205, ClinGen allele CA3533792.
Genomic context (GRCh38, chr5:157,330,793, plus strand): 5'-TCCTTGCAGTGTCCTGTTGGATAAACGTTTTCGAGCTGAGTGTAAGAATTATGGCGTCAT[C>G]ATTCCGTATCCACCGTCCAATCGCTATGAAACACTGCTGAAGCAGAGACACGTCCAGGTA-3'
Protein context (NP_001032410.1, residues 726-746): FRAECKNYGV[Ile736Met]IPYPPSNRYE

ClinVar aggregate classification (germline): Uncertain significance (1 of 4 stars; one submission).

Allele frequency attached by ClinVar (database versions not stated): gnomAD exomes below 0.00001; ExAC 0.00001; gnomAD 0.00001.
gnomAD v4.1: 3 of 1,613,844 alleles (0.00019%); highest among the groups gnomAD compares: African/African-American, 0.0013%; no homozygotes.

Submission:

Labcorp Genetics (formerly Invitae), Labcorp
Classification: Uncertain significance. Last evaluated: 2023-08-16. Review status: criteria provided, single submitter. Criteria: Invitae Variant Classification Sherloc (09022015). Collection method: clinical testing. Allele origin: germline.
Comment: In summary, the available evidence is currently insufficient to determine the role of this variant in disease. Therefore, it has been classified as a Variant of Uncertain Significance. Experimental studies and prediction algorithms are not available or were not evaluated, and the functional significance of this variant is currently unknown. This variant has not been reported in the literature in individuals affected with CYFIP2-related conditions. This variant is present in population databases (rs752048205, gnomAD 0.0009%). This sequence change replaces isoleucine, which is neutral and non-polar, with methionine, which is neutral and non-polar, at codon 736 of the CYFIP2 protein (p.Ile736Met).